The following is an entry in ClinVar:

NM_005121.3(MED13):c.3315C>T (p.Ala1105=)

Gene: MED13 (mediator complex subunit 13; minus strand). Cytogenetic location: 17q23.2.
Variant type: single nucleotide variant.
Coding change: c.3315C>T on transcript NM_005121.3 (MANE Select); coding-DNA position 3315, C replaced by T.
Protein change: p.Ala1105=; no amino-acid change (alanine 1105 retained).
Molecular consequence: synonymous variant.
Genome position (GRCh38, 1-based): chr17:61,982,688, G>A on the plus strand (C>T on the coding strand, the complement: MED13 is on the minus strand). VCF-style: chr17-61982688-G-A. GRCh37 (hg19) VCF-style: chr17-60060049-G-A.
Identifiers: ClinVar variation 2648010 (VCV002648010.24), dbSNP rs1330069317, ClinGen allele CA501336692.

ClinVar aggregate classification (germline): Likely benign (1 of 4 stars; one submission).

Allele frequency attached by ClinVar (database versions not stated): gnomAD 0.00001; gnomAD exomes 0.00001.
gnomAD v4.1: 20 of 1,613,904 alleles (0.0012%); highest among the groups gnomAD compares: East Asian, 0.0045%; no homozygotes.

Submission:

CeGaT Center for Human Genetics Tuebingen
Classification: Likely benign. Last evaluated: 2022-12-01. Review status: criteria provided, single submitter. Criteria: CeGaT Center For Human Genetics Tuebingen Variant Classification Criteria Version 2. Collection method: clinical testing. Allele origin: germline. Affected: yes. Observed: 1 variant allele.
Comment: MED13: BP4, BP7